The following is an entry in ClinVar:

NM_024757.5(EHMT1):c.2426C>T (p.Pro809Leu)

Gene: EHMT1 (euchromatic histone lysine methyltransferase 1; plus strand). Cytogenetic location: 9q34.3.
Variant type: single nucleotide variant.
Coding change: c.2426C>T on transcript NM_024757.5 (MANE Select); coding-DNA position 2426, C replaced by T.
Protein change: p.Pro809Leu; replaces proline 809 with leucine.
Molecular consequence: missense variant.
Genome position (GRCh38, 1-based): chr9:137,790,891, C>T. VCF-style: chr9-137790891-C-T. GRCh37 (hg19) VCF-style: chr9-140685343-C-T.
Other names: c.2333C>T, p.Pro778Leu (NM_001354259.2); c.2405C>T, p.Pro802Leu (NM_001354263.2); short protein forms P809L, P778L, P802L.
Identifiers: ClinVar variation 128978 (VCV000128978.57), dbSNP rs587780332, ClinGen allele CA231085.

ClinVar aggregate classification (germline): Pathogenic/Likely pathogenic. Review status: criteria provided, multiple submitters, no conflicts (2 of 4 stars). 8 submissions from 8 submitters: Pathogenic (3); Likely pathogenic (3). 2 of the submissions do not count toward it. Last evaluated 2025-09-01.

Conditions:
Kleefstra syndrome 1 (KLEFS1). Identifiers: Orphanet 261494, MedGen C0795833, MONDO:0027407, OMIM 610253.

Submissions (8):

Victorian Clinical Genetics Services, Murdoch Childrens Research Institute
Classification: Pathogenic for Kleefstra syndrome 1. Last evaluated: 2025-09-01. Review status: criteria provided, single submitter. Criteria: ACMG Guidelines, 2015. Collection method: clinical testing. Allele origin: germline. Affected: yes.
Comment: This variant is classified as Pathogenic. Evidence in support of pathogenic classification: Variant is absent from gnomAD (v2, v3 and v4); This variant has strong previous evidence of pathogenicity in unrelated individuals. It has been classified as likely pathogenic and pathogenic by clinical laboratories (ClinVar, DECIPHER), and reported in the literature in individuals with Kleefstra syndrome (PMIDs: 39696517, 28057753); Missense variant predicted to be damaging by in silico tool(s) or highly conserved with a major amino acid change. Additional information: Variant is predicted to result in a missense amino acid change from Pro to Leu; This variant is heterozygous; This gene is associated with autosomal dominant disease; Loss of function is a known mechanism of disease in this gene and is associated with Kleefstra syndrome 1 (MIM#610253); Inheritance information for this variant is not currently available in this individual.

Genetics and Molecular Pathology, SA Pathology
Classification: Pathogenic for Kleefstra syndrome 1. Last evaluated: 2022-09-05. Review status: criteria provided, single submitter. Criteria: ACMG Guidelines, 2015. Collection method: clinical testing. Allele origin: germline. Inheritance: Autosomal dominant inheritance. Affected: yes.
Comment: The EHMT1 c.2426C>T variant is classified as PATHOGENIC (PS2, PS3, PS4, PP3) The EHMT1 c.2426C>T variant is a single nucleotide change in exon 16/27 of the EHMT1 gene, which is predicted to change the amino acid proline at position 809 in the protein to leucine. It has also been reported as de novo in an individual with Kleefstra syndrome in the literature, along with another unrelated Kleefstra syndrome case (PMID: 28057753; PS4). This variant is absent from population databases (PM2). Functional studies have demonstrated the variant leads to protein misfolding and aberrant target recognition via disrupted histone mark binding (PS3). Computational predictions support a deleterious effect on the gene or gene product (PP3). This variant has been reported in dbSNP (rs587780332) and has been reported as likely pathogenic by other diagnostic laboratories (ClinVar Variation ID: 128978), and damaging for Kleefstra syndrome in HGMD (CM172582).

Labcorp Genetics (formerly Invitae), Labcorp
Classification: Likely pathogenic for Kleefstra syndrome 1. Last evaluated: 2022-02-01. Review status: criteria provided, single submitter. Criteria: Invitae Variant Classification Sherloc (09022015). Collection method: clinical testing. Allele origin: germline.
Comment: In summary, the currently available evidence indicates that the variant is pathogenic, but additional data are needed to prove that conclusively. Therefore, this variant has been classified as Likely Pathogenic. Experimental studies have shown that this missense change affects EHMT1 function (PMID: 28057753). Algorithms developed to predict the effect of missense changes on protein structure and function (SIFT, PolyPhen-2, Align-GVGD) all suggest that this variant is likely to be disruptive. ClinVar contains an entry for this variant (Variation ID: 128978). This missense change has been observed in individual(s) with clinical features of Kleefstra syndrome (PMID: 28057753, 29276005, 31785789, 33767182). In at least one individual the variant was observed to be de novo. This variant is not present in population databases (gnomAD no frequency). This sequence change replaces proline, which is neutral and non-polar, with leucine, which is neutral and non-polar, at codon 809 of the EHMT1 protein (p.Pro809Leu).

Institute of Medical Genetics and Applied Genomics, University Hospital Tübingen
Classification: Likely pathogenic. Last evaluated: 2020-10-23. Review status: criteria provided, single submitter. Criteria: ACMG Guidelines, 2015. Collection method: clinical testing. Allele origin: germline. Inheritance: Autosomal dominant inheritance. Affected: yes.

CeGaT Center for Human Genetics Tuebingen
Classification: Likely pathogenic. Last evaluated: 2018-11-01. Review status: criteria provided, single submitter. Criteria: CeGaT Center For Human Genetics Tuebingen Variant Classification Criteria Version 2. Collection method: clinical testing. Allele origin: germline. Affected: yes. Observed: 3 variant alleles.

Laboratory of Genetics, Children's Clinical University Hospital Latvia
Classification: Pathogenic for Kleefstra syndrome 1. Review status: criteria provided, single submitter. Criteria: ACMG Guidelines, 2015. Collection method: curation. Allele origin: de novo. Affected: yes.
Comment: de novo

Genetics Laboratory, The Affiliated Women's and Children's Hospital of Qingdao University
Classification: Pathogenic for Kleefstra syndrome 1. Last evaluated: 2024-01-13. Review status: no assertion criteria provided. Collection method: research. Allele origin: germline. Inheritance: Autosomal dominant inheritance. Affected: yes. Not counted in ClinVar's aggregate classification.
Comment: c.2426C>T (exon16, NM_024757), resulting in the amino acid change p.P809L, a missense mutation. The mutation was initially determined to be a pathogenic mutation (Pathogenic) PS2+PS4+PM2+PP3 according to the ACMG guidelines:  PS2: After family validation analysis, there is no mutation at this locus in the subject's father and no mutation at this locus in the subject's mother, and this variant is a spontaneous mutation;  PS4: cases of this locus (Kleefstra syndrome) have been reported in the literature database, with the variant labeled DM (pathogenic mutation), ClinVar The pathogenicity analysis of this locus in the ClinVar database is Conflicting interpretations of pathogenicity,- ;  PM2: the frequency in the normal population database is -, a low-frequency variant;  PP3: Bioinformatics protein function comprehensive prediction software REVEL predicted the results as harmful, SIFT, PolyPhen_2, MutationTaster , GERP+ predicted the results as harmful, harmful, harmful, harmful, harmful, respectively;

Genetic Services Laboratory, University of Chicago
Classification: Uncertain significance. Last evaluated: 2014-03-18. Review status: flagged submission. Criteria: ACMG Guidelines, 2007. Collection method: clinical testing. Allele origin: germline. Inheritance: Autosomal dominant inheritance. Not counted in ClinVar's aggregate classification.
ClinVar note: Reason: Older and outlier claim with insufficient supporting evidence

Literature cited by the submitters: PubMed 28057753 (cited by 3 submitters); PubMed 39696517 (cited by Victorian Clinical Genetics Services, Murdoch Childrens Research Institute); PubMed 29276005 (cited by Labcorp Genetics (formerly Invitae), Labcorp); PubMed 31785789 (cited by Labcorp Genetics (formerly Invitae), Labcorp); PubMed 33767182 (cited by Labcorp Genetics (formerly Invitae), Labcorp); PubMed 39013458 (cited by Laboratory of Genetics, Children's Clinical University Hospital Latvia).